The following is an entry in ClinVar:

NM_001079866.2(BCS1L):c.476T>A (p.Leu159Ter)

Gene: BCS1L (BCS1 ubiquinol-cytochrome c reductase complex chaperone; plus strand). Cytogenetic location: 2q35.
Variant type: single nucleotide variant.
Coding change: c.476T>A on transcript NM_001079866.2 (MANE Select); coding-DNA position 476, T replaced by A.
Protein change: p.Leu159Ter; replaces leucine 159 with a stop codon.
Molecular consequence: nonsense. On other transcripts: 5 prime UTR variant (6), non-coding transcript variant (1).
Genome position (GRCh38, 1-based): chr2:218,661,774, T>A. VCF-style: chr2-218661774-T-A. GRCh37 (hg19) VCF-style: chr2-219526497-T-A.
Other names: c.476T>A, p.Leu159Ter (NM_001257342.2, NM_001257343.2, NM_001257344.2 and 10 more transcripts); c.116T>A, p.Leu39Ter (NM_001318836.2, NM_001371451.1); c.-26T>A (NM_001371452.1, NM_001371453.1, NM_001371454.1 and 3 more transcripts); short protein forms L159*, L39*.
Identifiers: ClinVar variation 1725149 (VCV001725149.3), dbSNP rs2469879669, ClinGen allele CA350626896.

ClinVar aggregate classification (germline): Likely pathogenic (1 of 4 stars; one submission).

Conditions:
BCS1L-related disorder. Also called: BCS1L-related disorders; BCS1L-related condition. Identifiers: MedGen CN239240.

Submission:

Myriad Genetics, Inc.
Classification: Likely pathogenic for BCS1L-related disorder. Last evaluated: 2022-03-09. Review status: criteria provided, single submitter. Criteria: Myriad Autosomal Dominant, Autosomal Recessive and X-Linked Classification Criteria (2023). Collection method: clinical testing. Allele origin: unknown.
Comment: NM_004328.4(BCS1L):c.476T>A(L159*) is expected to be pathogenic in the context of BCS1L-related disorders. This variant is predicted to lead to an abnormal or absent protein product due to the creation of a premature termination codon in BCS1L, a gene where loss-of-function variants are known to be pathogenic. Please note: this variant was assessed in the context of healthy population screening.